The following is an entry in ClinVar:

ClinVar aggregate classification (germline): Pathogenic. Review status: criteria provided, multiple submitters, no conflicts (2 of 4 stars). 7 submissions from 7 submitters: Pathogenic (5). 2 of the submissions do not count toward it. Last evaluated 2025-07-08.

Conditions:
Intellectual developmental disorder, autosomal recessive 68. Also called: MENTAL RETARDATION, AUTOSOMAL RECESSIVE 68. Identifiers: MedGen C4749033, MONDO:0032665, OMIM 618302.

Submissions (7):

Ozbek Human Genetics Laboratory, Izmir Biomedicine and Genome Center
Classification: Pathogenic for Intellectual developmental disorder, autosomal recessive 68. Last evaluated: 2025-07-08. Review status: criteria provided, single submitter. Criteria: ACMG Guidelines, 2015. Collection method: research. Allele origin: unknown. Affected: yes. Observed: 1 variant allele, 1 homozygote.
Comment: A homozygous p.Tyr445Leufs*28 frameshift truncation variant was detected in exon 12 of the TRMT1 gene (NM_001136035.4) (PVS1). This variant is very rarely observed in population databases (PM2). For a recessive disease, it has been identified in a homozygous or compound heterozygous state in affected individuals (PM3). The variant is a defined pathogenic variant with "Pathogenic" entries in the ClinVar database (PP5), and cosegregation with the disease has been demonstrated in multiple affected family members (PP1). Based on this information, it is classified as a pathogenic variant according to ACMG criteria. The TRMT1 gene is associated with "Intellectual developmental disorder, autosomal recessive 68, MIM:618302" in the OMIM database. Data obtained via the RAREBOOST project (Horizon 2020 ERA Chairs at Izmir Biomedicine and Genome Center - IBG)

GeneDx
Classification: Pathogenic. Last evaluated: 2024-08-14. Review status: criteria provided, single submitter. Criteria: GeneDx Variant Classification Process June 2021. Collection method: clinical testing. Allele origin: germline. Affected: yes.
Comment: Frameshift variant predicted to result in protein truncation or nonsense mediated decay in a gene for which loss of function is a known mechanism of disease; Additionally, complementation studies showed that this variant was unable to rescue defects seen in human cells knocked out for TRMT1 (PMID: 28784718); Not observed at a significant frequency in large population cohorts (gnomAD); This variant is associated with the following publications: (PMID: 30289604, 28600779, 34582790, 31589614, 34580403, 28784718, 26308914)

Genomic Medicine Center of Excellence, King Faisal Specialist Hospital and Research Centre
Classification: Pathogenic for Intellectual developmental disorder, autosomal recessive 68. Last evaluated: 2024-03-25. Review status: criteria provided, single submitter. Criteria: ACMG Guidelines, 2015. Collection method: research. Allele origin: germline.

3billion
Classification: Pathogenic for Intellectual developmental disorder, autosomal recessive 68. Last evaluated: 2022-09-01. Review status: criteria provided, single submitter. Criteria: ACMG Guidelines, 2015. Collection method: clinical testing. Allele origin: germline. Affected: yes. Observed: 1 homozygote.
Comment: The variant is observed at an extremely low frequency in the gnomAD v2.1.1 dataset (total allele frequency: <0.001%). Frameshift variant is predicted to result in a loss or disruption of normal protein function through nonsense-mediated decay (NMD) or protein truncation. Multiple pathogenic variants are reported downstream of the variant. The variant has been reported to be in trans with a pathogenic variant as either compound heterozygous or homozygous in at least one similarly affected unrelated individual (PMID: 26308914). The variant has been reported to co-segregate with the disease in at least one similarly affected relative/individual in the same family or similarly affected unrelated family (PMID: 26308914). The variant has been reported at least twice as pathogenic without evidence for the classification (ClinVar ID: VCV000617604 / PMID: 26308914). Therefore, this variant is classified as Pathogenic according to the recommendation of ACMG/AMP guideline.

Institute of Human Genetics, University of Leipzig Medical Center
Classification: Pathogenic for Intellectual developmental disorder, autosomal recessive 68. Last evaluated: 2020-10-30. Review status: criteria provided, single submitter. Criteria: ACMG Guidelines, 2015. Collection method: clinical testing. Allele origin: biparental. Affected: yes.
Comment: This variant was identified as homozygous.

Pediatric Genetics Clinic, Sheba Medical Center
Classification: Pathogenic for Intellectual developmental disorder, autosomal recessive 68. Last evaluated: 2021-05-13. Review status: no assertion criteria provided. Collection method: clinical testing. Allele origin: inherited. Affected: yes. Observed: 1 compound heterozygote. Not counted in ClinVar's aggregate classification.

OMIM
Classification: Pathogenic for INTELLECTUAL DEVELOPMENTAL DISORDER, AUTOSOMAL RECESSIVE 68. Last evaluated: 2019-01-31. Review status: no assertion criteria provided. Collection method: literature only. Allele origin: germline. Not counted in ClinVar's aggregate classification.

Literature cited by the submitters: PubMed 26308914 (cited by 3billion and OMIM).

NM_001136035.4(TRMT1):c.1332_1333del (p.Tyr445fs)

Gene: TRMT1 (tRNA methyltransferase 1; minus strand). Cytogenetic location: 19p13.13.
Variant type: Deletion.
Coding change: c.1332_1333del on transcript NM_001136035.4 (MANE Select); coding-DNA positions 1332 to 1333, 2 bases deleted (GT; older notation c.1332_1333delGT).
Protein change: p.Tyr445fs; shifts the reading frame from tyrosine 445.
Molecular consequence: frameshift variant.
Genome position (GRCh38, 1-based): chr19:13,109,445-13,109,446, AC deleted on the plus strand (GT on the coding strand, the reverse complement: TRMT1 is on the minus strand); deleting any 2 consecutive bases within chr19:13,109,445-13,109,447 gives the same sequence; the c. name uses the placement nearest the transcript's 3' end. VCF-style (leftmost placement, unchanged base first): chr19-13109444-TAC-T. GRCh37 (hg19) VCF-style: chr19-13220258-TAC-T.
Other names: c.1332_1333delGT (NM_001136035.4); c.1332_1333del (NM_001136035.2); c.1245_1246del, p.Tyr416fs (NM_001142554.3, NM_001351760.2); c.1224_1225del, p.Tyr409fs (NM_001351761.2); c.549_550del, p.Tyr184fs (NM_001351762.2); c.1332_1333del, p.Tyr445fs (NM_017722.5); short protein forms Y409fs, Y416fs, Y445fs, Y184fs.
Identifiers: ClinVar variation 617604 (VCV000617604.12), dbSNP rs1203487591, ClinGen allele CA631856029.
Genomic context (GRCh38, chr19:13,109,444, plus strand): 5'-AACTGCAGGAGGCTTGGTGTGTTGCAGTGGATGGTGCTGCTCAGCTGGTCCAGGGTGTAG[TAC>T]AGAGGCACGTCCGGGAGCTCCTGCGATGGGGGACAGGATGGGCATGAGTGGAGATGGACG-3'